The following is an entry in ClinVar:

NM_005591.4(MRE11):c.1550A>G (p.Asp517Gly)

Gene: MRE11 (MRE11 double strand break repair nuclease; minus strand). Cytogenetic location: 11q21.
Variant type: single nucleotide variant.
Coding change: c.1550A>G on transcript NM_005591.4 (MANE Select); coding-DNA position 1550, A replaced by G.
Protein change: p.Asp517Gly; replaces aspartic acid 517 with glycine.
Molecular consequence: missense variant.
Genome position (GRCh38, 1-based): chr11:94,456,289, T>C on the plus strand (A>G on the coding strand, the complement: MRE11 is on the minus strand). VCF-style: chr11-94456289-T-C. GRCh37 (hg19) VCF-style: chr11-94189455-T-C.
Other names: c.1550A>G, p.Asp517Gly (NM_001330347.2, NM_005590.4); short protein forms D517G.
Identifiers: ClinVar variation 485815 (VCV000485815.6), dbSNP rs1329240039, ClinGen allele CA382370695.

ClinVar aggregate classification (germline): Uncertain significance (1 of 4 stars; one submission).

Conditions:
Hereditary cancer-predisposing syndrome. Also called: Tumor predisposition; Hereditary Cancer Syndrome; Hereditary neoplastic syndrome; Neoplastic Syndromes, Hereditary. Identifiers: Orphanet 140162, MedGen C0027672, MeSH D009386, MONDO:0015356.

Allele frequency attached by ClinVar (database versions not stated): gnomAD exomes below 0.00001.
gnomAD v4.1: 1 of 1,613,522 alleles (0.000062%); highest among the groups gnomAD compares: East Asian, 0.0022%; no homozygotes.

Submission:

Ambry Genetics
Classification: Uncertain significance for Hereditary cancer-predisposing syndrome. Last evaluated: 2023-06-18. Review status: criteria provided, single submitter. Criteria: Ambry Variant Classification Scheme 2023. Collection method: clinical testing. Allele origin: germline.
Comment: The p.D517G variant (also known as c.1550A>G), located in coding exon 13 of the MRE11A gene, results from an A to G substitution at nucleotide position 1550. The aspartic acid at codon 517 is replaced by glycine, an amino acid with similar properties. This variant was not reported in population based cohorts in the following databases: Database of Single Nucleotide Polymorphisms (dbSNP), NHLBI Exome Sequencing Project (ESP), and 1000 Genomes Project. In the ESP, this variant was not observed in 6498 samples (12996 alleles) with coverage at this position. To date, this alteration has been detected with an allele frequency of approximately 0.001% (greater than 175000 alleles tested) in our clinical cohort. This amino acid position is well conserved in available vertebrate species. In addition, this alteration is predicted to be tolerated by in silico analysis. Since supporting evidence is limited at this time, the clinical significance of this alteration remains unclear.